The following is an entry in ClinVar:

NM_000202.8(IDS):c.330G>C (p.Arg110Ser)

Gene: IDS (iduronate 2-sulfatase; minus strand). Cytogenetic location: Xq28.
Variant type: single nucleotide variant.
Coding change: c.330G>C on transcript NM_000202.8 (MANE Select); coding-DNA position 330, G replaced by C.
Protein change: p.Arg110Ser; replaces arginine 110 with serine.
Molecular consequence: missense variant. On other transcripts: non-coding transcript variant (1).
Genome position (GRCh38, 1-based): chrX:149,503,400, C>G on the plus strand (G>C on the coding strand, the complement: IDS is on the minus strand). VCF-style: chrX-149503400-C-G. GRCh37 (hg19) VCF-style: chrX-148584930-C-G.
Other names: c.60G>C, p.Arg20Ser (NM_001166550.4); c.330G>C, p.Arg110Ser (NM_006123.5); short protein forms R110S, R20S.
Identifiers: ClinVar variation 3255677 (VCV003255677.2).

ClinVar aggregate classification (germline): Pathogenic (1 of 4 stars; one submission).

Conditions:
Mucopolysaccharidosis, MPS-II (MPS2). Also called: Hunter Syndrome; IDURONATE 2-SULFATASE DEFICIENCY; Mucopolysaccharidosis Type II; Mucopolysaccharidosis type 2; Attenuated MPS (subtype; formerly known as mild MPS II); Severe MPS II. Identifiers: Orphanet 580, Orphanet 79388, MedGen C0026705, MONDO:0010674, OMIM 309900.

Submission:

Laboratory of Diagnosis and Therapy of Lysosomal Disorders, University of Padova
Classification: Pathogenic for Mucopolysaccharidosis, MPS-II. Last evaluated: 2024-06-07. Review status: criteria provided, single submitter. Criteria: ACMG Guidelines, 2015. Collection method: literature only. Allele origin: germline. Affected: yes. Observed: 1 variant allele.
Comment: Absent from controls (or at low frequency) in gnomAD database (PM2_Moderate), Missense change at the same amino acid residue as a pathogenic variant (PM5_Moderate), Missense variant in a gene with a low rate of benign missense variation (PP2_Supporting), Multiple lines of computational evidence support a deleterious effect (PP3_Supporting), Patient’s phenotype or family history highly specific for the disease (PP4_Strong)

Classification method: ACMG Guidelines [PMID:25741868] with modifications

Literature cited by the submitters: PubMed 23800320.